The following is an entry in ClinVar:

ClinVar aggregate classification (germline): Uncertain significance. Review status: criteria provided, multiple submitters, no conflicts (2 of 4 stars). 2 submissions from 2 submitters: Uncertain significance (2). Last evaluated 2023-09-11.

Allele frequency attached by ClinVar (database versions not stated): gnomAD exomes below 0.00001 and 0.00001; TOPMed below 0.00001; ExAC 0.00002.
gnomAD v4.1: 4 of 1,592,220 alleles (0.00025%); highest among the groups gnomAD compares: Non-Finnish European, 0.00034%; no homozygotes.

Submissions (2):

Blueprint Genetics
Classification: Uncertain significance. Last evaluated: 2023-09-11. Review status: criteria provided, single submitter. Criteria: ACMG Guidelines, 2015. Collection method: clinical testing. Allele origin: germline.

Labcorp Genetics (formerly Invitae), Labcorp
Classification: Uncertain significance. Last evaluated: 2022-02-10. Review status: criteria provided, single submitter. Criteria: Invitae Variant Classification Sherloc (09022015). Collection method: clinical testing. Allele origin: germline.
Comment: This variant has not been reported in the literature in individuals affected with CEP250-related conditions. ClinVar contains an entry for this variant (Variation ID: 853148). Algorithms developed to predict the effect of missense changes on protein structure and function output the following: SIFT: "Not Available"; PolyPhen-2: "Benign"; Align-GVGD: "Not Available". The glutamine amino acid residue is found in multiple mammalian species, which suggests that this missense change does not adversely affect protein function. In summary, the available evidence is currently insufficient to determine the role of this variant in disease. Therefore, it has been classified as a Variant of Uncertain Significance. This variant is present in population databases (rs772057106, gnomAD 0.002%). This sequence change replaces glutamic acid, which is acidic and polar, with glutamine, which is neutral and polar, at codon 1989 of the CEP250 protein (p.Glu1989Gln).

NM_007186.6(CEP250):c.5965G>C (p.Glu1989Gln)

Gene: CEP250 (centrosomal protein 250; plus strand). Cytogenetic location: 20q11.22.
Variant type: single nucleotide variant.
Coding change: c.5965G>C on transcript NM_007186.6 (MANE Select); coding-DNA position 5965, G replaced by C.
Protein change: p.Glu1989Gln; replaces glutamic acid 1989 with glutamine.
Molecular consequence: missense variant.
Genome position (GRCh38, 1-based): chr20:35,504,334, G>C. VCF-style: chr20-35504334-G-C. GRCh37 (hg19) VCF-style: chr20-34092162-G-C.
Other names: c.4069G>C, p.Glu1357Gln (NM_001318219.1); short protein forms E1357Q, E1989Q.
Identifiers: ClinVar variation 853148 (VCV000853148.10), dbSNP rs772057106, ClinGen allele CA9833975.
Genomic context (GRCh38, chr20:35,504,334, plus strand): 5'-GCCCTTGGCAAGGCTCATGCTGCCCTGCAGGGGAAAGAGCAGCATCTCCTCGAGCAGGCA[G>C]AATTGAGCCGCAGTCTGGAGGCCAGCACTGCAACCCTGCAAGCCTCCCTGGATGCCTGCC-3'
Protein context (NP_009117.2, residues 1979-1999): GKEQHLLEQA[Glu1989Gln]LSRSLEASTA